The following is an entry in ClinVar:

NM_020247.5(COQ8A):c.853+7G>A

Gene: COQ8A (coenzyme Q8A; plus strand). Cytogenetic location: 1q42.13.
Variant type: single nucleotide variant.
Coding change: c.853+7G>A on transcript NM_020247.5 (MANE Select); 7 bases into the intron after coding-DNA position 853, G replaced by A.
Molecular consequence: intron variant.
Genome position (GRCh38, 1-based): chr1:226,982,156, G>A. VCF-style: chr1-226982156-G-A. GRCh37 (hg19) VCF-style: chr1-227169857-G-A.
Identifiers: ClinVar variation 1701127 (VCV001701127.31), dbSNP rs1316934190, ClinGen allele CA2580062246.
Genomic context (GRCh38, chr1:226,982,156, plus strand): 5'-TCTGCAAGGTGCGTGGTGCGGCACTCAAGCTGGGCCAGATGCTGAGCATCCAGGGTGAGT[G>A]GGCGCGGGGGCTGCTGCCCCGGGACTGCGTGGGCTGCTGGGGGGGTCAACTTCCAGGGCC-3'

ClinVar aggregate classification (germline): Uncertain significance (1 of 4 stars; one submission).

Submission:

CeGaT Center for Human Genetics Tuebingen
Classification: Uncertain significance. Last evaluated: 2022-07-01. Review status: criteria provided, single submitter. Criteria: CeGaT Center For Human Genetics Tuebingen Variant Classification Criteria Version 2. Collection method: clinical testing. Allele origin: germline. Affected: yes. Observed: 1 variant allele.
Comment: COQ8A: PM2, BP4